The following is an entry in ClinVar:

ClinVar aggregate classification (germline): Benign (1 of 4 stars; one submission).

Conditions:
Microcytic anemia with liver iron overload. Also called: Anemia, hypochromic microcytic, with iron overload 1. Identifiers: Orphanet 83642, MedGen C3806153, MONDO:0008787, OMIM 206100.

Allele frequency attached by ClinVar (database versions not stated): ExAC 0.00337; gnomAD exomes 0.00419 and 0.00971; gnomAD 0.04733 and 0.05066; 1000 Genomes Project 0.05052; TOPMed 0.05394; 1000 Genomes Project 30x 0.05465.
gnomAD v4.1: 12,059 of 1,284,708 alleles (0.94%); highest among the groups gnomAD compares: African/African-American, 17%; 989 homozygotes.

Submission:

Illumina Laboratory Services, Illumina
Classification: Benign for Microcytic anemia with liver iron overload. Last evaluated: 2018-01-13. Review status: criteria provided, single submitter. Criteria: ICSL Variant Classification Criteria 13 December 2019. Collection method: clinical testing. Allele origin: germline.
Comment: This variant was observed in the ICSL laboratory as part of a predisposition screen in an ostensibly healthy population. It had not been previously curated by ICSL or reported in the Human Gene Mutation Database (HGMD: prior to June 1st, 2018), and was therefore a candidate for classification through an automated scoring system. Utilizing variant allele frequency, disease prevalence and penetrance estimates, and inheritance mode, an automated score was calculated to assess if this variant is too frequent to cause the disease. Based on the score and internal cut-off values, a variant classified as benign is not then subjected to further curation. The score for this variant resulted in a classification of benign for this disease.

NM_000617.3(SLC11A2):c.*1215A>C

Gene: SLC11A2 (solute carrier family 11 member 2; minus strand). Cytogenetic location: 12q13.12.
Variant type: single nucleotide variant.
Coding change: c.*1215A>C on transcript NM_000617.3 (MANE Select); 1215 bases downstream of the stop codon, A replaced by C.
Molecular consequence: 3 prime UTR variant. On other transcripts: non-coding transcript variant (4), intron variant (8).
Genome position (GRCh38, 1-based): chr12:50,987,110, T>G on the plus strand (A>C on the coding strand, the complement: SLC11A2 is on the minus strand). VCF-style: chr12-50987110-T-G. GRCh37 (hg19) VCF-style: chr12-51380893-T-G.
Other names: c.*1215A>C (NM_001174125.2, NM_001174128.2, NM_001174129.2 and 6 more transcripts); c.1716+1272A>C (NM_001379446.1); c.1518+1272A>C (NM_001414747.1); c.1629+1272A>C (NM_001174127.2, NM_001174126.2, NM_001379447.2); c.*25+1190A>C (NM_001414744.1, NM_001414746.1); c.1617+1272A>C (NM_001379448.1).
Identifiers: ClinVar variation 309289 (VCV000309289.5), dbSNP rs17125172, ClinGen allele CA6566363.